The following is an entry in ClinVar:

ClinVar aggregate classification (germline): Uncertain significance (1 of 4 stars; one submission).

gnomAD v4.1: 7 of 1,613,204 alleles (0.00043%); highest among the groups gnomAD compares: Admixed American, 0.0067%; no homozygotes.

Submission:

Labcorp Genetics (formerly Invitae), Labcorp
Classification: Uncertain significance. Last evaluated: 2023-12-11. Review status: criteria provided, single submitter. Criteria: Invitae Variant Classification Sherloc (09022015). Collection method: clinical testing. Allele origin: germline.
Comment: This sequence change replaces alanine, which is neutral and non-polar, with serine, which is neutral and polar, at codon 220 of the MTPAP protein (p.Ala220Ser). This variant is present in population databases (no rsID available, gnomAD 0.004%). This variant has not been reported in the literature in individuals affected with MTPAP-related conditions. ClinVar contains an entry for this variant (Variation ID: 1907539). Advanced modeling of protein sequence and biophysical properties (such as structural, functional, and spatial information, amino acid conservation, physicochemical variation, residue mobility, and thermodynamic stability) performed at Invitae indicates that this missense variant is not expected to disrupt MTPAP protein function with a negative predictive value of 80%. In summary, the available evidence is currently insufficient to determine the role of this variant in disease. Therefore, it has been classified as a Variant of Uncertain Significance.

NM_018109.4(MTPAP):c.658G>T (p.Ala220Ser)

Gene: MTPAP (mitochondrial poly(A) polymerase; minus strand). Cytogenetic location: 10p11.23.
Variant type: single nucleotide variant.
Coding change: c.658G>T on transcript NM_018109.4 (MANE Select); coding-DNA position 658, G replaced by T.
Protein change: p.Ala220Ser; replaces alanine 220 with serine.
Molecular consequence: missense variant.
Genome position (GRCh38, 1-based): chr10:30,336,925, C>A on the plus strand (G>T on the coding strand, the complement: MTPAP is on the minus strand). VCF-style: chr10-30336925-C-A. GRCh37 (hg19) VCF-style: chr10-30625854-C-A.
Other names: short protein forms A220S.
Identifiers: ClinVar variation 1907539 (VCV001907539.5), dbSNP rs759555857, ClinGen allele CA376426045.
Genomic context (GRCh38, chr10:30,336,925, plus strand): 5'-ACTTCCCAAAAGTGTTGACTGAGGAGCCAAAGGGTCTGACTATGCAGTCTGGAAAATACG[C>A]GGCGGCCATGTCTTCAATAAGAGAACAGGTGAGATATCGGAGCTTAGTGTTCTCCTCTGT-3'
Protein context (NP_060579.3, residues 210-230): TCSLIEDMAA[Ala220Ser]YFPDCIVRPF